The following is an entry in ClinVar:

ClinVar aggregate classification (germline): Likely pathogenic. Review status: criteria provided, multiple submitters, no conflicts (2 of 4 stars). 2 submissions from 2 submitters: Likely pathogenic (2). Last evaluated 2024-02-25.

Conditions:
Lethal arthrogryposis-anterior horn cell disease syndrome (CAAHD). Also called: CONGENITAL ARTHROGRYPOSIS WITH ANTERIOR HORN CELL DISEASE. Identifiers: Orphanet 53696, MedGen C5193016, MONDO:0012750, OMIM 611890.
Lethal congenital contracture syndrome 1 (LCCS1). Also called: MULTIPLE CONTRACTURE SYNDROME, FINNISH TYPE. Identifiers: Orphanet 1486, MedGen C1854664, MONDO:0009670, OMIM 253310.

Allele frequency attached by ClinVar (database versions not stated): gnomAD exomes below 0.00001.
gnomAD v4.1: 1 of 1,531,086 alleles (0.000065%); highest among the groups gnomAD compares: East Asian, 0.0022%; no homozygotes.

Submissions (2):

Fulgent Genetics
Classification: Likely pathogenic for Lethal congenital contracture syndrome 1; Lethal arthrogryposis-anterior horn cell disease syndrome. Last evaluated: 2024-02-25. Review status: criteria provided, single submitter. Criteria: ACMG Guidelines, 2015. Collection method: clinical testing. Allele origin: germline.

Labcorp Genetics (formerly Invitae), Labcorp
Classification: Likely pathogenic. Last evaluated: 2023-09-27. Review status: criteria provided, single submitter. Criteria: Invitae Variant Classification Sherloc (09022015). Collection method: clinical testing. Allele origin: germline.
Comment: This sequence change affects a donor splice site in intron 13 of the GLE1 gene. It is expected to disrupt RNA splicing. Variants that disrupt the donor or acceptor splice site typically lead to a loss of protein function (PMID: 16199547), and loss-of-function variants in GLE1 are known to be pathogenic (PMID: 18204449, 24243016, 27684565). This variant is not present in population databases (gnomAD no frequency). This variant has not been reported in the literature in individuals affected with GLE1-related conditions. ClinVar contains an entry for this variant (Variation ID: 1522542). Algorithms developed to predict the effect of sequence changes on RNA splicing suggest that this variant may disrupt the consensus splice site. In summary, the currently available evidence indicates that the variant is pathogenic, but additional data are needed to prove that conclusively. Therefore, this variant has been classified as Likely Pathogenic.

Literature cited by the submitters: PubMed 16199547 (cited by Labcorp Genetics (formerly Invitae), Labcorp); PubMed 18204449 (cited by Labcorp Genetics (formerly Invitae), Labcorp); PubMed 24243016 (cited by Labcorp Genetics (formerly Invitae), Labcorp); PubMed 27684565 (cited by Labcorp Genetics (formerly Invitae), Labcorp).

NM_001003722.2(GLE1):c.1881+1G>T

Genes: GLE1 (GLE1 RNA export mediator; plus strand), LOC101929270 (uncharacterized LOC101929270; minus strand). Cytogenetic location: 9q34.11.
Variant type: single nucleotide variant.
Coding change: c.1881+1G>T on transcript NM_001003722.2 (MANE Select); the canonical splice donor site of the intron after coding-DNA position 1881, G replaced by T.
Molecular consequence: splice donor variant.
Genome position (GRCh38, 1-based): chr9:128,538,091, G>T. VCF-style: chr9-128538091-G-T. GRCh37 (hg19) VCF-style: chr9-131300370-G-T.
Other names: c.1881+1G>T (NM_001499.2); c.1908+1G>T (NM_001411013.1).
Identifiers: ClinVar variation 1522542 (VCV001522542.7), dbSNP rs1847775573, ClinGen allele CA375045422.